The following is an entry in ClinVar:

ClinVar aggregate classification (germline): Benign/Likely benign. Review status: criteria provided, multiple submitters, no conflicts (2 of 4 stars). 15 submissions from 11 submitters: Benign (8); Likely benign (3). 4 of the submissions do not count toward it. Last evaluated 2026-09-01.

Conditions:
TTN-related disorder. Also called: TTN-related disorders; TTN-related condition; TTN-related disease.
Dilated cardiomyopathy 1G (CMD1G). Identifiers: Orphanet 154, MedGen C1858763, MONDO:0011400, OMIM 604145.
Autosomal recessive limb-girdle muscular dystrophy type 2J (LGMDR10). Also called: MUSCULAR DYSTROPHY, LIMB-GIRDLE, AUTOSOMAL RECESSIVE 10; Limb-girdle muscular dystrophy, type 2J. Identifiers: Orphanet 140922, MedGen C1837342, MONDO:0012127, OMIM 608807.
Cardiomyopathy (CMYO). Also called: Cardiomyopathies. Identifiers: Orphanet 167848, MedGen C0878544, MONDO:0004994, HP:0001638. Inheritance: Various modes of inheritance.
Tibial muscular dystrophy (TMD). Also called: Udd Distal Myopathy – Tibial Muscular Dystrophy; UDD MYOPATHY; Tibial muscular dystrophy, tardive. Identifiers: Orphanet 609, MedGen C1838244, MONDO:0010870, OMIM 600334.
Myopathy, myofibrillar, 9, with early respiratory failure (MFM9). Also called: EDSTROM MYOPATHY; Hereditary myopathy with early respiratory failure; MYOPATHY, PROXIMAL, WITH EARLY RESPIRATORY MUSCLE INVOLVEMENT; Myopathy, distal, with early respiratory failure, autosomal dominant. Identifiers: Orphanet 178464, Orphanet 34521, MedGen C1863599, MONDO:0011362, OMIM 603689.
Early-onset myopathy with fatal cardiomyopathy (CMYO5). Also called: CONGENITAL MYOPATHY 5 WITH CARDIOMYOPATHY; Salih Myopathy. Identifiers: Orphanet 289377, MedGen C2673677, MONDO:0012714, OMIM 611705. Disease mechanism: loss of function.
Primary dilated cardiomyopathy (DCM). Also called: Dilated Cardiomyopathy. Identifiers: Orphanet 217604, MedGen C0007193, MeSH D002311, MONDO:0005021, HP:0001644. Inheritance: Various modes of inheritance.
Hypertrophic cardiomyopathy. Also called: HYPERTROPHIC MYOCARDIOPATHY. Identifiers: Orphanet 217569, MedGen C0007194, MeSH D002312, MONDO:0005045, HP:0001639.

Allele frequency attached by ClinVar (database versions not stated): gnomAD 0.00001 and 0.00015; TOPMed 0.00002; 1000 Genomes Project 30x 0.00031; 1000 Genomes Project 0.00040; gnomAD exomes 0.00049 and 0.00104; ExAC 0.00110.

Submissions (15):

CeGaT Center for Human Genetics Tuebingen
Classification: Likely benign. Last evaluated: 2026-09-01. Review status: criteria provided, single submitter. Criteria: CeGaT Center For Human Genetics Tuebingen Variant Classification Criteria Version 2. Collection method: clinical testing. Allele origin: germline. Affected: yes. Observed: 2 variant alleles.
Comment: TTN: BP4, BS2

Labcorp Genetics (formerly Invitae), Labcorp
Classification: Benign for Dilated cardiomyopathy 1G; Autosomal recessive limb-girdle muscular dystrophy type 2J. Last evaluated: 2026-02-04. Review status: criteria provided, single submitter. Criteria: Invitae Variant Classification Sherloc (09022015). Collection method: clinical testing. Allele origin: germline.

Genome-Nilou Lab
Classification: Benign for Autosomal recessive limb-girdle muscular dystrophy type 2J. Last evaluated: 2021-09-10. Review status: criteria provided, single submitter. Criteria: ACMG Guidelines, 2015. Collection method: clinical testing. Allele origin: germline. Affected: no.

Genome-Nilou Lab
Classification: Benign for Myopathy, myofibrillar, 9, with early respiratory failure. Last evaluated: 2021-09-10. Review status: criteria provided, single submitter. Criteria: ACMG Guidelines, 2015. Collection method: clinical testing. Allele origin: germline. Affected: no.

Genome-Nilou Lab
Classification: Benign for Early-onset myopathy with fatal cardiomyopathy. Last evaluated: 2021-09-10. Review status: criteria provided, single submitter. Criteria: ACMG Guidelines, 2015. Collection method: clinical testing. Allele origin: germline. Affected: no.

Genome-Nilou Lab
Classification: Benign for Tibial muscular dystrophy. Last evaluated: 2021-09-10. Review status: criteria provided, single submitter. Criteria: ACMG Guidelines, 2015. Collection method: clinical testing. Allele origin: germline. Affected: no.

GeneDx
Classification: Benign. Last evaluated: 2018-07-13. Review status: criteria provided, single submitter. Criteria: GeneDx Variant Classification Process June 2021. Collection method: clinical testing. Allele origin: germline. Affected: yes.

CHEO Genetics Diagnostic Laboratory, Children's Hospital of Eastern Ontario
Classification: Benign for Cardiomyopathy. Last evaluated: 2018-03-23. Review status: criteria provided, single submitter. Criteria: ACMG Guidelines, 2015. Collection method: clinical testing. Allele origin: germline.

Eurofins Ntd Llc (ga)
Classification: Benign. Last evaluated: 2015-08-18. Review status: criteria provided, single submitter. Criteria: EGL Classification Definitions 2015. Collection method: clinical testing. Allele origin: germline. Observed: 2 variant alleles, 1 heterozygote, 1 homozygote.

Genetics and Genomics Program, Sidra Medicine
Classification: Likely benign for Hypertrophic cardiomyopathy. Review status: criteria provided, single submitter. Criteria: ACMG Guidelines, 2015. Collection method: research. Allele origin: unknown. Affected: yes. Observed: 1 variant allele.

Genetics and Genomics Program, Sidra Medicine
Classification: Likely benign for Primary dilated cardiomyopathy. Review status: criteria provided, single submitter. Criteria: ACMG Guidelines, 2015. Collection method: research. Allele origin: unknown. Affected: yes. Observed: 1 variant allele.

PreventionGenetics, part of Exact Sciences
Classification: Benign for TTN-related condition. Last evaluated: 2019-07-10. Review status: no assertion criteria provided. Collection method: clinical testing. Allele origin: germline. Not counted in ClinVar's aggregate classification.
Comment: This variant is classified as benign based on ACMG/AMP sequence variant interpretation guidelines (Richards et al. 2015 PMID: 25741868, with internal and published modifications).

Clinical Genetics DNA and cytogenetics Diagnostics Lab, Erasmus MC, Erasmus Medical Center
Classification: Benign. Review status: no assertion criteria provided. Collection method: clinical testing. Allele origin: germline. Affected: yes. Study: VKGL Data-share Consensus. Not counted in ClinVar's aggregate classification.

Clinical Genetics, Academic Medical Center
Classification: Benign. Review status: no assertion criteria provided. Collection method: clinical testing. Allele origin: germline. Affected: yes. Study: VKGL Data-share Consensus. Not counted in ClinVar's aggregate classification.

Laboratory of Diagnostic Genome Analysis, Leiden University Medical Center (LUMC)
Classification: Likely benign. Review status: no assertion criteria provided. Collection method: clinical testing. Allele origin: germline. Affected: yes. Study: VKGL Data-share Consensus. Not counted in ClinVar's aggregate classification.

NM_001267550.2(TTN):c.104347C>T (p.Leu34783Phe)

Genes: TTN (titin; minus strand), TTN-AS1 (TTN antisense RNA 1; plus strand). Cytogenetic location: 2q31.2.
Variant type: single nucleotide variant.
Coding change: c.104347C>T on transcript NM_001267550.2 (MANE Select); coding-DNA position 104347, C replaced by T.
Protein change: p.Leu34783Phe; replaces leucine 34783 with phenylalanine.
Molecular consequence: missense variant.
Genome position (GRCh38, 1-based): chr2:178,532,268, G>A on the plus strand (C>T on the coding strand, the complement: TTN is on the minus strand). VCF-style: chr2-178532268-G-A. GRCh37 (hg19) VCF-style: chr2-179396995-G-A.
Other names: c.99424C>T, p.Leu33142Phe (NM_001256850.1); c.77152C>T, p.Leu25718Phe (NM_003319.4); c.96643C>T, p.Leu32215Phe (NM_133378.4); c.77527C>T, p.Leu25843Phe (NM_133432.3); c.77728C>T, p.Leu25910Phe (NM_133437.4); short protein forms L32215F, L34783F, L25718F, L25843F, L25910F, L33142F.
Identifiers: ClinVar variation 282653 (VCV000282653.53), dbSNP rs539735520, ClinGen allele CA1985436.
Genomic context (GRCh38, chr2:178,532,268, plus strand): 5'-ATTTCTTTCTAGACTTTTCCTCCTTTGACATGAAGTCAAGTTCGCTTTTGTATTCTGAGA[G>A]ATGCTGGGTGGTCGTAACTGGGCGAAGCAACTCTTCATCCTCCCTCTCAGCCATGATTCT-3'
Protein context (NP_001254479.2, residues 34773-34793): LLRPVTTTQH[Leu34783Phe]SEYKSELDFM